The following is an entry in ClinVar:

NM_133259.4(LRPPRC):c.1300G>T (p.Gly434Cys)

Gene: LRPPRC (leucine rich pentatricopeptide repeat containing; minus strand). Cytogenetic location: 2p21.
Variant type: single nucleotide variant.
Coding change: c.1300G>T on transcript NM_133259.4 (MANE Select); coding-DNA position 1300, G replaced by T.
Protein change: p.Gly434Cys; replaces glycine 434 with cysteine.
Molecular consequence: missense variant.
Genome position (GRCh38, 1-based): chr2:43,973,676, C>A on the plus strand (G>T on the coding strand, the complement: LRPPRC is on the minus strand). VCF-style: chr2-43973676-C-A. GRCh37 (hg19) VCF-style: chr2-44200815-C-A.
Other names: short protein forms G434C.
Identifiers: ClinVar variation 2162213 (VCV002162213.4), dbSNP rs760756132, ClinGen allele CA1639028.

ClinVar aggregate classification (germline): Uncertain significance (1 of 4 stars; one submission).

gnomAD v4.1: 2 of 1,614,012 alleles (0.00012%); highest among the groups gnomAD compares: Non-Finnish European, 0.00017%; no homozygotes.

Submission:

Labcorp Genetics (formerly Invitae), Labcorp
Classification: Uncertain significance. Last evaluated: 2024-10-24. Review status: criteria provided, single submitter. Criteria: Invitae Variant Classification Sherloc (09022015). Collection method: clinical testing. Allele origin: germline.
Comment: This sequence change replaces glycine, which is neutral and non-polar, with cysteine, which is neutral and slightly polar, at codon 434 of the LRPPRC protein (p.Gly434Cys). This variant is present in population databases (rs760756132, gnomAD 0.0009%). This variant has not been reported in the literature in individuals affected with LRPPRC-related conditions. ClinVar contains an entry for this variant (Variation ID: 2162213). Invitae Evidence Modeling of protein sequence and biophysical properties (such as structural, functional, and spatial information, amino acid conservation, physicochemical variation, residue mobility, and thermodynamic stability) indicates that this missense variant is expected to disrupt LRPPRC protein function with a positive predictive value of 80%. In summary, the available evidence is currently insufficient to determine the role of this variant in disease. Therefore, it has been classified as a Variant of Uncertain Significance.